The following is an entry in ClinVar:

ClinVar aggregate classification (germline): Conflicting classifications of pathogenicity. Review status: criteria provided, conflicting classifications (1 of 4 stars). 4 submissions from 4 submitters: Uncertain significance (3); Likely benign (1). Last evaluated 2025-02-10.

Conditions:
Inborn genetic diseases. Identifiers: MedGen C0950123, MeSH D030342.
Variegate porphyria, childhood-onset (VPCO). Also called: VARIEGATE PORPHYRIA, HOMOZYGOUS VARIANT. Identifiers: MedGen C5882681, MONDO:0957577, OMIM 620483.
Variegate porphyria (VP). Also called: PPOX DEFICIENCY; PORPHYRIA, SOUTH AFRICAN TYPE; PROTOPORPHYRINOGEN OXIDASE DEFICIENCY. Identifiers: Orphanet 79473, MedGen C0162532, MONDO:0008297, OMIM 176200.

Allele frequency attached by ClinVar (database versions not stated): gnomAD 0.00002 and 0.00009; TOPMed 0.00002; ExAC 0.00003; gnomAD exomes 0.00003; 1000 Genomes Project 30x 0.00016; 1000 Genomes Project 0.00020.
gnomAD v4.1: 230 of 1,614,182 alleles (0.014%); highest among the groups gnomAD compares: East Asian, 0.49%; 1 homozygote.

Submissions (4):

Labcorp Genetics (formerly Invitae), Labcorp
Classification: Uncertain significance. Last evaluated: 2025-02-10. Review status: criteria provided, single submitter. Criteria: Invitae Variant Classification Sherloc (09022015). Collection method: clinical testing. Allele origin: germline.
Comment: This sequence change replaces valine, which is neutral and non-polar, with isoleucine, which is neutral and non-polar, at codon 282 of the PPOX protein (p.Val282Ile). The frequency data for this variant in the population databases is considered unreliable, as metrics indicate poor data quality at this position in the gnomAD database. This variant has not been reported in the literature in individuals affected with PPOX-related conditions. ClinVar contains an entry for this variant (Variation ID: 875181). Invitae Evidence Modeling of protein sequence and biophysical properties (such as structural, functional, and spatial information, amino acid conservation, physicochemical variation, residue mobility, and thermodynamic stability) indicates that this missense variant is not expected to disrupt PPOX protein function with a negative predictive value of 95%. In summary, the available evidence is currently insufficient to determine the role of this variant in disease. Therefore, it has been classified as a Variant of Uncertain Significance.

Ambry Genetics
Classification: Likely benign for Inborn genetic diseases. Last evaluated: 2024-12-11. Review status: criteria provided, single submitter. Criteria: Ambry Variant Classification Scheme 2023. Collection method: clinical testing. Allele origin: germline.

Fulgent Genetics
Classification: Uncertain significance for Variegate porphyria; Variegate porphyria, childhood-onset. Last evaluated: 2024-04-04. Review status: criteria provided, single submitter. Criteria: ACMG Guidelines, 2015. Collection method: clinical testing. Allele origin: germline.

Illumina Laboratory Services, Illumina
Classification: Uncertain significance for Variegate porphyria. Last evaluated: 2018-01-12. Review status: criteria provided, single submitter. Criteria: ICSL Variant Classification Criteria 13 December 2019. Collection method: clinical testing. Allele origin: germline.

NM_001122764.3(PPOX):c.844G>A (p.Val282Ile)

Gene: PPOX (protoporphyrinogen oxidase; plus strand). Cytogenetic location: 1q23.3.
Variant type: single nucleotide variant.
Coding change: c.844G>A on transcript NM_001122764.3 (MANE Select); coding-DNA position 844, G replaced by A.
Protein change: p.Val282Ile; replaces valine 282 with isoleucine.
Molecular consequence: missense variant.
Genome position (GRCh38, 1-based): chr1:161,169,696, G>A. VCF-style: chr1-161169696-G-A. GRCh37 (hg19) VCF-style: chr1-161139486-G-A.
Other names: c.844G>A, p.Val282Ile (NM_000309.5, NM_001365398.1, NM_001365399.1); c.745G>A, p.Val249Ile (NM_001350128.2); c.436G>A, p.Val146Ile (NM_001350129.2, NM_001365400.1); c.358G>A, p.Val120Ile (NM_001350130.2, NM_001350131.2, NM_001365401.1); short protein forms V282I, V146I, V249I, V120I.
Identifiers: ClinVar variation 875181 (VCV000875181.11), dbSNP rs145286580, ClinGen allele CA1207271.